The following is an entry in ClinVar:

ClinVar aggregate classification (germline): Uncertain significance (1 of 4 stars; one submission).

Conditions:
Hypertrophic cardiomyopathy 4. Also called: Familial hypertrophic cardiomyopathy 4. Identifiers: MedGen C1861862, MONDO:0007268, OMIM 115197.

Submission:

3billion
Classification: Uncertain significance for Hypertrophic cardiomyopathy 4. Last evaluated: 2024-01-11. Review status: criteria provided, single submitter. Criteria: ACMG Guidelines, 2015. Collection method: clinical testing. Allele origin: germline. Affected: yes.
Comment: The variant is not observed in the gnomAD v2.1.1 dataset. Predicted Consequence/Location: Missense variant In silico tool predictions suggest damaging effect of the variant on gene or gene product [REVEL: 0.72 (>=0.6, sensitivity 0.68 and specificity 0.92)]. Therefore, this variant is classified as VUS according to the recommendation of ACMG/AMP guideline.

NM_000256.3(MYBPC3):c.1661T>G (p.Leu554Arg)

Gene: MYBPC3 (myosin binding protein C3; minus strand). Cytogenetic location: 11p11.2.
Variant type: single nucleotide variant.
Coding change: c.1661T>G on transcript NM_000256.3 (MANE Select); coding-DNA position 1661, T replaced by G.
Protein change: p.Leu554Arg; replaces leucine 554 with arginine.
Molecular consequence: missense variant.
Genome position (GRCh38, 1-based): chr11:47,342,120, A>C on the plus strand (T>G on the coding strand, the complement: MYBPC3 is on the minus strand). VCF-style: chr11-47342120-A-C. GRCh37 (hg19) VCF-style: chr11-47363671-A-C.
Other names: short protein forms L554R.
Identifiers: ClinVar variation 3775446 (VCV003775446.1).
Genomic context (GRCh38, chr11:47,342,120, plus strand): 5'-CGAACATTCTCATCTGAGACCTCACATTTGAACACCGCCTGGTCCTTTGCGCCCACCATC[A>C]GGTCTGCGATGCTCTGGTACACCTCCAGCTTCTTTTCTGCAGGGCAGGGCAGAGCCATTG-3'
Protein context (NP_000247.2, residues 544-564): KLEVYQSIAD[Leu554Arg]MVGAKDQAVF